The following continues an entry in ClinVar:

NM_000551.4(VHL):c.241C>T (p.Pro81Ser)

Gene: VHL. ClinVar aggregate classification (germline): Benign. Benign (1).

Submissions 13 to 29 of 29:

Sema4
Classification: Uncertain significance for Hereditary cancer-predisposing syndrome. Last evaluated: 2022-01-25. Review status: criteria provided, single submitter. Criteria: Sema4 Curation Guidelines. Collection method: curation. Allele origin: germline. Not counted in ClinVar's aggregate classification.
Comment: The VHL c.241C>T (p.P81S) variant has been reported in individuals with features of Von Hippel-Lindau syndrome, including renal cell carcinoma, hemangioblastoma, and paraganglioma (PMID: 11106358, 8634692, 9829911, 19906784, 28503092, 27527340, 30877234, among others). The p.P81S has been reported to segregate with disease in three families with isolated pheochromocytomas, termed VHL type 2C, however these individuals carried another pathogenic VHL variant, p.Leu188Val, in cis (PMID: 7563486, 8772572, 12414898). This variant has been reported as hemizygous in an individual with hemangioblastomas, who carried a full VHL gene deletion in trans (PMID: 19906784). Also described as 454C>T in the literature, this variant has been found in unaffected family members and in healthy individuals (PMID: 11106358, 28503092, 25637381). Based on this, it has been proposed that this variant may be a low-penetrance pathogenic variant (PMID: 11106358, 28503092, 19228690) or that it may modify the phenotype when found with other high penetrance VHL pathogenic variants (PMID: 12414898), while others describe it as a non-disease causing variant (PMID:19906784). It was observed in 53/119480 chromosomes of the Non-Finnish European subpopulation, with no homozygotes, in the large and broad cohorts of the Genome Aggregation Database. This frequency is higher than expected for a disease-causing VHL variant. The variant has been reported in ClinVar (Variation ID 2233). In silico tools suggest the impact of the variant on protein function is inconclusive. Functional studies have shown activity close to wildtype (PMID: 19228690), or a slight reduction to target protein binding with minimal impact to the protein complex functionality (PMID: 22234250). Another study suggested this variant may alter DNA damage response and suppress ionizing radiation-induced apoptosis (PMID: 23990666). The current evidence is conflicting and insufficient to meet ACMG/AMP criteria for classifying the variant as benign or pathogenic. Thus, the clinical significance of this variant is currently uncertain.

GeneDx
Classification: Likely benign. Last evaluated: 2021-12-22. Review status: criteria provided, single submitter. Criteria: GeneDx Variant Classification Process June 2021. Collection method: clinical testing. Allele origin: germline. Affected: yes. Not counted in ClinVar's aggregate classification.
Comment: See Variant Classification Assertion Criteria.

Institute for Clinical Genetics, University Hospital TU Dresden, University Hospital TU Dresden
Classification: Uncertain significance. Last evaluated: 2021-11-03. Review status: criteria provided, single submitter. Criteria: ACMG Guidelines, 2015. Collection method: clinical testing. Allele origin: germline. Not counted in ClinVar's aggregate classification.

Ambry Genetics
Classification: Likely benign for Hereditary cancer-predisposing syndrome. Last evaluated: 2021-03-22. Review status: criteria provided, single submitter. Criteria: Ambry Variant Classification Scheme 2023. Collection method: clinical testing. Allele origin: germline. Not counted in ClinVar's aggregate classification.

Clinical Genomics Labs, University Health Network
Classification: Uncertain significance for Von Hippel-Lindau syndrome. Last evaluated: 2020-09-08. Review status: criteria provided, single submitter. Criteria: ACMG Guidelines, 2015. Collection method: clinical testing. Allele origin: germline. Not counted in ClinVar's aggregate classification.

Genetic Services Laboratory, University of Chicago
Classification: Uncertain significance. Last evaluated: 2020-03-19. Review status: criteria provided, single submitter. Criteria: ACMG Guidelines, 2015. Collection method: clinical testing. Allele origin: germline. Affected: no. Not counted in ClinVar's aggregate classification.
Comment: DNA sequence analysis of the VHL gene demonstrated a sequence change, c.241C>T, in exon 1 that results in an amino acid change, p.Pro81Ser. This sequence change has been described in the gnomAD database with a frequency of 0.04% in the European sub-population (dbSNP rs104893829). The p.Pro81Ser change has been reported in individuals with Von-Hippel Lindau-related cancers (PMIDs: 28503092, 19906784, 11106358, 9829911, 12414898, 8634692; Glavac 1996, Glasker 1999, Haitz 2015). This sequence change has been identified in two families that also had a likely pathogenic VHL variant in cis with this sequence change (PMIDs: 19906784, 12414898), and one family with a large deletion of the entire VHL gene in trans with this sequence change, in which the p.Pro81Ser change did not segregate with disease (PMID: 19906784). The p.Pro81Ser change has also been identified in three unrelated individuals with hemangioblastoma or renal cell carcinoma (Haitz 2015; PMID: 28503092, 11106358). Relatives of these individuals who carried the sequence change were not affected. Functional studies have suggested both normal protein activity (PMID: 19228690), and lack of ubiquitination, reduced DNA damage response, and resistance to ionizing radiation-induced apoptosis (Li 2002; PMID: 23990666) in the presence of this sequence change. The p.Pro81Ser change affects a highly conserved amino acid residue located in a domain of the VHL protein that is known to be functional. The p.Pro81Ser substitution appears to be deleterious using several in-silico pathogenicity prediction tools (SIFT, PolyPhen2, Align GVGD, REVEL). Due to these contrasting evidences and the lack of functional studies, the clinical significance of the p.Pro81Ser change remains unknown at this time.

Mendelics
Classification: Uncertain significance for Von Hippel-Lindau syndrome. Last evaluated: 2019-05-28. Review status: criteria provided, single submitter. Criteria: Mendelics Assertion Criteria 2017. Collection method: clinical testing. Allele origin: unknown. Not counted in ClinVar's aggregate classification.

Gharavi Laboratory, Columbia University
Classification: Likely benign. Last evaluated: 2018-09-16. Review status: criteria provided, single submitter. Criteria: ACMG Guidelines, 2015. Collection method: research. Allele origin: germline. Affected: no. Not counted in ClinVar's aggregate classification.

PreventionGenetics, part of Exact Sciences
Classification: Likely benign. Last evaluated: 2017-10-02. Review status: criteria provided, single submitter. Criteria: ACMG Guidelines, 2015. Collection method: clinical testing. Allele origin: germline. Not counted in ClinVar's aggregate classification.

Illumina Laboratory Services, Illumina
Classification: Uncertain significance for Von Hippel-Lindau syndrome. Last evaluated: 2017-04-27. Review status: criteria provided, single submitter. Criteria: ICSL Variant Classification Criteria 13 December 2019. Collection method: clinical testing. Allele origin: germline. Not counted in ClinVar's aggregate classification.
Comment: This variant was observed as part of a predisposition screen in an ostensibly healthy population. A literature search was performed for the gene, cDNA change, and amino acid change (where applicable). Publications were found based on this search. However, the evidence from the literature, in combination with allele frequency data from public databases where available, was not sufficient to rule this variant in or out of causing disease. Therefore, this variant is classified as a variant of unknown significance.

CSER _CC_NCGL, University of Washington
Classification: Likely benign for von Hippel-Lindau syndrome. Last evaluated: 2016-10-01. Review status: criteria provided, single submitter. Criteria: Amendola et al. (Genome Res. 2015). Collection method: research. Allele origin: germline. Affected: no. Study: CSER - NEXT Medicine variant annotation. Not counted in ClinVar's aggregate classification.
Comment: This interpretation considers GERP score and allele frequency data, in addition to published reports of the variant in the literature, available at the time of review.

Laboratory for Molecular Medicine, Mass General Brigham Personalized Medicine
Classification: Uncertain significance. Last evaluated: 2016-03-28. Review status: criteria provided, single submitter. Criteria: LMM Criteria. Collection method: clinical testing. Allele origin: germline. Not counted in ClinVar's aggregate classification.
Comment: Variant identified in a genome or exome case(s) and assessed due to predicted null impact of the variant or pathogenic assertions in the literature or databases. Disclaimer: This variant has not undergone full assessment. The following are preliminary notes: Several reports describe as LB/non-pathogenic; ExAC: 0.04% (19/53684) European chromosomes

Genomic Diagnostic Laboratory, Division of Genomic Diagnostics, Children's Hospital of Philadelphia
Classification: Uncertain significance for Von Hippel-Lindau syndrome. Last evaluated: 2016-02-26. Review status: no assertion criteria provided. Collection method: clinical testing. Allele origin: germline. Observed: 3 variant alleles. Not counted in ClinVar's aggregate classification.

Women's Health and Genetics/Laboratory Corporation of America, LabCorp
Classification: Likely benign for Von Hippel-Lindau Syndrome. Last evaluated: 2015-10-02. Review status: no assertion criteria provided. Collection method: clinical testing. Allele origin: germline. Not counted in ClinVar's aggregate classification.

OMIM
Classification: Pathogenic for VON HIPPEL-LINDAU SYNDROME. Last evaluated: 2002-11-01. Review status: no assertion criteria provided. Collection method: literature only. Allele origin: germline. Not counted in ClinVar's aggregate classification.

Molecular Oncology -  Human Genetics Lab, University of Sao Paulo
Classification: Uncertain significance for Hepatoblastoma. Review status: no assertion criteria provided. Collection method: research. Allele origin: germline. Affected: yes. Not counted in ClinVar's aggregate classification.

Baylor-Hopkins Center for Mendelian Genomics, Johns Hopkins University School of Medicine
Classification: Likely pathogenic for Enchondromatosis. Review status: flagged submission. Criteria: ACMG Guidelines, 2015. Collection method: research. Allele origin: paternal. Affected: yes. Observed: 1 heterozygote. Not counted in ClinVar's aggregate classification.
ClinVar note: Reason: Outlier claim with insufficient supporting evidence

Literature cited by the submitters: PubMed 11106358 (cited by 6 submitters); PubMed 28503092 (cited by 5 submitters); PubMed 19906784 (cited by 6 submitters); PubMed 19228690 (cited by 5 submitters); PubMed 36175619 (cited by Center for Genomic Medicine, Rigshospitalet, Copenhagen University Hospital); PubMed 11739384 (cited by 3 submitters); PubMed 23990666 (cited by 5 submitters); PubMed 12414898 (cited by 4 submitters); PubMed 22234250 (cited by 4 submitters); PubMed 27527340 (cited by Mayo Clinic Laboratories, Mayo Clinic and Sema4); PubMed 8634692 (cited by 3 submitters); PubMed 9829911 (cited by 5 submitters); PubMed 8707293 (cited by Genetics and Molecular Pathology, SA Pathology and Illumina Laboratory Services, Illumina); PubMed 10567493 (cited by Genetics and Molecular Pathology, SA Pathology and Ambry Genetics); PubMed 30877234 (cited by Sema4); PubMed 7563486 (cited by Sema4); PubMed 8772572 (cited by Sema4); PubMed 25637381 (cited by Sema4 and Ambry Genetics); PubMed 20447124 (cited by Ambry Genetics); PubMed 23990664 (cited by Ambry Genetics and Illumina Laboratory Services, Illumina); PubMed 29790589 (cited by Ambry Genetics); PubMed 8956040 (cited by Ambry Genetics and Illumina Laboratory Services, Illumina); PubMed 10761708 (cited by Illumina Laboratory Services, Illumina).